The following is an entry in ClinVar:

NM_001035.3(RYR2):c.1481T>C (p.Met494Thr)

Gene: RYR2 (ryanodine receptor 2; plus strand). Cytogenetic location: 1q43.
Variant type: single nucleotide variant.
Coding change: c.1481T>C on transcript NM_001035.3 (MANE Select); coding-DNA position 1481, T replaced by C.
Protein change: p.Met494Thr; replaces methionine 494 with threonine.
Molecular consequence: missense variant.
Genome position (GRCh38, 1-based): chr1:237,456,604, T>C. VCF-style: chr1-237456604-T-C. GRCh37 (hg19) VCF-style: chr1-237619904-T-C.
Other names: short protein forms M494T.
Identifiers: ClinVar variation 3075388 (VCV003075388.1), dbSNP rs2528559013, ClinGen allele CA345381181.
Genomic context (GRCh38, chr1:237,456,604, plus strand): 5'-GCAGAATGACAGTTTTGGATGTCTGATTGTGATTTTTTTTTTTTTTAACGTTCCAGGGAA[T>C]GATCAACCTCGTGCTTGAGTGCATAGACCGTTTGCACGTCTACAGCAGTGCAGCACACTT-3'
Protein context (NP_001026.2, residues 484-504): NRQNLFQEEG[Met494Thr]INLVLECIDR

ClinVar aggregate classification (germline): Uncertain significance (1 of 4 stars; one submission).

Conditions:
Catecholaminergic polymorphic ventricular tachycardia (CVPT). Also called: Catecholamine-induced polymorphic ventricular tachycardia. Identifiers: Orphanet 3286, MedGen C5574922, MONDO:0017990.

Allele frequency attached by ClinVar (database versions not stated): gnomAD exomes below 0.00001.
gnomAD v4.1: 1 of 1,506,868 alleles (0.000066%); highest among the groups gnomAD compares: East Asian, 0.0024%; no homozygotes.

Submission:

All of Us Research Program, National Institutes of Health
Classification: Uncertain significance for Catecholaminergic polymorphic ventricular tachycardia. Last evaluated: 2024-01-22. Review status: criteria provided, single submitter. Criteria: ACMG Guidelines, 2015. Collection method: clinical testing. Allele origin: germline. Inheritance: Autosomal dominant inheritance. Observed: 1 variant allele, 1 heterozygote.
Comment: This missense variant replaces methionine with threonine at codon 494 of the RYR2 protein. Computational prediction suggests that this variant may have deleterious impact on protein structure and function (internally defined REVEL score threshold >= 0.7, PMID: 27666373). To our knowledge, functional studies have not been reported for this variant. This variant has not been reported in individuals affected with RYR2-related disorders in the literature. This variant has not been identified in the general population by the Genome Aggregation Database (gnomAD). The available evidence is insufficient to determine the role of this variant in disease conclusively. Therefore, this variant is classified as a Variant of Uncertain Significance.

This study involves interpretation of variants in research participants for the purpose of population health screening. Participant phenotype was not available at the time of variant classification. Additional details can be found in publication PMID: 35346344, PMCID: PMC8962531